The following is an entry in ClinVar:

NM_001097577.3(ANG):c.413A>C (p.His138Pro)

Genes: ANG (angiogenin; plus strand), EGILA (EGFR interacting lncRNA; minus strand), RNASE4 (ribonuclease A family member 4; plus strand). Cytogenetic location: 14q11.2.
Variant type: single nucleotide variant.
Coding change: c.413A>C on transcript NM_001097577.3 (MANE Select); coding-DNA position 413, A replaced by C.
Protein change: p.His138Pro; replaces histidine 138 with proline.
Molecular consequence: missense variant. On other transcripts: intron variant (4).
Genome position (GRCh38, 1-based): chr14:20,693,977, A>C. VCF-style: chr14-20693977-A-C. GRCh37 (hg19) VCF-style: chr14-21162136-A-C.
Other names: c.413A>C, p.His138Pro (NM_001145.4, NM_001385271.1, NM_001385272.1 and 2 more transcripts); c.-18+327A>C (NM_001282192.2); c.-17-5378A>C (NM_002937.5, NM_001282193.2); c.-18+5103A>C (NM_194431.3); short protein forms H138P.
Identifiers: ClinVar variation 2806119 (VCV002806119.3), dbSNP rs1566602814, ClinGen allele CA389117479.

ClinVar aggregate classification (germline): Uncertain significance (1 of 4 stars; one submission).

Allele frequency attached by ClinVar (database versions not stated): gnomAD exomes below 0.00001.
gnomAD v4.1: 2 of 1,614,000 alleles (0.00012%); highest among the groups gnomAD compares: Non-Finnish European, 0.00017%; no homozygotes.

Submission:

Labcorp Genetics (formerly Invitae), Labcorp
Classification: Uncertain significance. Last evaluated: 2023-04-11. Review status: criteria provided, single submitter. Criteria: Invitae Variant Classification Sherloc (09022015). Collection method: clinical testing. Allele origin: germline.
Comment: An algorithm developed to predict the effect of missense changes on protein structure and function (PolyPhen-2) suggests that this variant is likely to be disruptive. In summary, the available evidence is currently insufficient to determine the role of this variant in disease. Therefore, it has been classified as a Variant of Uncertain Significance. This variant has not been reported in the literature in individuals affected with ANG-related conditions. This variant is not present in population databases (gnomAD no frequency). This sequence change replaces histidine, which is basic and polar, with proline, which is neutral and non-polar, at codon 138 of the ANG protein (p.His138Pro).